The following is an entry in ClinVar:

ClinVar aggregate classification (germline): Uncertain significance (1 of 4 stars; one submission).

Conditions:
Malignant hyperthermia, susceptibility to, 1 (MHS1). Also called: Anesthesia related hyperthermia; Malignant hyperpyrexia; Fulminating hyperpyrexia; Pharmacogenic myopathy; RYR1-Related Malignant Hyperthermia Susceptibility; Malignant hyperthermia suceptibility 1. Identifiers: Orphanet 423, MedGen C2930980, MONDO:0007783, OMIM 145600.

Submission:

All of Us Research Program, National Institutes of Health
Classification: Uncertain significance for Malignant hyperthermia, susceptibility to, 1. Last evaluated: 2024-03-05. Review status: criteria provided, single submitter. Criteria: ACMG Guidelines, 2015. Collection method: clinical testing. Allele origin: germline. Inheritance: Autosomal dominant inheritance. Observed: 2 variant alleles, 2 heterozygotes.
Comment: This missense variant replaces phenylalanine with leucine at codon 12 of the RYR1 protein. Computational prediction is inconclusive regarding the impact of this variant on protein structure and function (internally defined REVEL score threshold 0.5 < inconclusive < 0.7, PMID: 27666373). To our knowledge, functional studies have not been reported for this variant. This variant has not been reported in individuals affected with RYR1-related disorders in the literature. This variant has not been identified in the general population by the Genome Aggregation Database (gnomAD). The available evidence is insufficient to determine the role of this variant in disease conclusively. Therefore, this variant is classified as a Variant of Uncertain Significance.

This study involves interpretation of variants in research participants for the purpose of population health screening. Participant phenotype was not available at the time of variant classification. Additional details can be found in publication PMID: 35346344, PMCID: PMC8962531

NM_000540.3(RYR1):c.36C>G (p.Phe12Leu)

Gene: RYR1 (ryanodine receptor 1; plus strand). Cytogenetic location: 19q13.2.
Variant type: single nucleotide variant.
Coding change: c.36C>G on transcript NM_000540.3 (MANE Select); coding-DNA position 36, C replaced by G.
Protein change: p.Phe12Leu; replaces phenylalanine 12 with leucine.
Molecular consequence: missense variant.
Genome position (GRCh38, 1-based): chr19:38,433,865, C>G. VCF-style: chr19-38433865-C-G. GRCh37 (hg19) VCF-style: chr19-38924505-C-G.
Other names: c.36C>G, p.Phe12Leu (NM_001042723.2); short protein forms F12L.
Identifiers: ClinVar variation 3072673 (VCV003072673.2), dbSNP rs2145288960, ClinGen allele CA405668555.